The following is an entry in ClinVar:

NC_000017.11:g.(?_17792949)_(17847783_?)del

Genes: MIR33B (microRNA 33b; minus strand), RAI1 (retinoic acid induced 1; plus strand), SREBF1 (sterol regulatory element binding transcription factor 1; minus strand), TOM1L2 (target of myb1 like 2 membrane trafficking protein; minus strand). Cytogenetic location: 17p11.2.
Variant type: Deletion.
Identifiers: ClinVar variation 831448 (VCV000831448.1).

ClinVar aggregate classification (germline): Pathogenic (1 of 4 stars; one submission).

Submission:

Labcorp Genetics (formerly Invitae), Labcorp
Classification: Pathogenic. Last evaluated: 2019-07-09. Review status: criteria provided, single submitter. Criteria: Invitae Variant Classification Sherloc (09022015). Collection method: clinical testing. Allele origin: germline.
Comment: A gross deletion of the genomic region encompassing the full coding sequence of the RAI1 gene has been identified. The boundaries of this event are unknown as the deletion extends beyond the assayed region for this gene and therefore may encompass additional genes. A similar whole gene deletion has been reported in an individual affected with Smith-Magenis syndrome (PMID: 22382802). Loss-of-function variants in RAI1 are known to be pathogenic (PMID: 20738874, 24715852). For these reasons, this variant has been classified as Pathogenic.

Literature cited by the submitters: PubMed 22382802.